The following is an entry in ClinVar:

NM_001457.4(FLNB):c.6786G>A (p.Val2262=)

Gene: FLNB (filamin B; plus strand). Cytogenetic location: 3p14.3.
Variant type: single nucleotide variant.
Coding change: c.6786G>A on transcript NM_001457.4 (MANE Select); coding-DNA position 6786, G replaced by A.
Protein change: p.Val2262=; no amino-acid change (valine 2262 retained).
Molecular consequence: synonymous variant.
Genome position (GRCh38, 1-based): chr3:58,155,973, G>A. VCF-style: chr3-58155973-G-A. GRCh37 (hg19) VCF-style: chr3-58141700-G-A.
Other names: c.6786G>A (NM_001457.3); c.6879G>A, p.Val2293= (NM_001164317.2); c.6753G>A, p.Val2251= (NM_001164318.2); c.6714G>A, p.Val2238= (NM_001164319.2).
Identifiers: ClinVar variation 1910783 (VCV001910783.6), dbSNP rs1156407548, ClinGen allele CA434042848.

ClinVar aggregate classification (germline): Likely benign. Review status: criteria provided, multiple submitters, no conflicts (2 of 4 stars). 2 submissions from 2 submitters: Likely benign (2). Last evaluated 2026-06-12.

Conditions:
FLNB-related disorder. Also called: FLNB-related disorders; FLNB-related condition. Identifiers: MedGen CN381095.

Allele frequency attached by ClinVar (database versions not stated): gnomAD exomes below 0.00001; gnomAD 0.00001.
gnomAD v4.1: 8 of 1,612,666 alleles (0.0005%); highest among the groups gnomAD compares: South Asian, 0.0055%; no homozygotes.

Submissions (2):

PreventionGenetics, part of Exact Sciences
Classification: Likely benign for FLNB-related condition. Last evaluated: 2026-06-12. Review status: criteria provided, single submitter. Criteria: ACMG Guidelines, 2015. Collection method: clinical testing. Allele origin: germline.
Comment: This variant is classified as likely benign based on ACMG/AMP sequence variant interpretation guidelines (Richards et al. 2015 PMID: 25741868, with internal and published modifications).

Labcorp Genetics (formerly Invitae), Labcorp
Classification: Likely benign. Last evaluated: 2024-07-04. Review status: criteria provided, single submitter. Criteria: Invitae Variant Classification Sherloc (09022015). Collection method: clinical testing. Allele origin: germline.